The following is an entry in ClinVar:

ClinVar aggregate classification (germline): Pathogenic (1 of 4 stars; one submission).

Conditions:
Neuronal ceroid lipofuscinosis 2. Also called: TPP1-Related Neuronal Ceroid-Lipofuscinosis; JANSKY-BIELSCHOWSKY DISEASE NEURONAL CEROID LIPOFUSCINOSIS, LATE INFANTILE. Identifiers: Orphanet 168491, Orphanet 228349, Orphanet 79264, MedGen C1876161, MONDO:0008769, OMIM 204500.

Submission:

Myriad Genetics, Inc.
Classification: Pathogenic for Neuronal ceroid lipofuscinosis 2. Last evaluated: 2025-05-24. Review status: criteria provided, single submitter. Criteria: Myriad Autosomal Dominant, Autosomal Recessive and X-Linked Classification Criteria (2023). Collection method: clinical testing. Allele origin: unknown.
Comment: NM_000391.3(TPP1):c.601delA(T201Pfs*4) is expected to be pathogenic in the context of TPP1-related neuronal ceroid lipofuscinosis. This variant is predicted to lead to an abnormal or absent protein product due to the creation of a premature termination codon in TPP1, a gene where loss-of-function variants are known to be pathogenic. Please note: this variant was assessed in the context of healthy population screening.

NM_000391.4(TPP1):c.601del (p.Thr201fs)

Gene: TPP1 (tripeptidyl peptidase 1; minus strand). Cytogenetic location: 11p15.4.
Variant type: Deletion.
Coding change: c.601del on transcript NM_000391.4 (MANE Select); coding-DNA position 601, one base deleted (A; older notation c.601delA).
Protein change: p.Thr201fs; shifts the reading frame from threonine 201.
Molecular consequence: frameshift variant.
Genome position (GRCh38, 1-based): chr11:6,617,061, T deleted on the plus strand (A on the coding strand, the reverse complement: TPP1 is on the minus strand); the first of 2 consecutive T bases (chr11:6,617,061-6,617,062); deleting either gives the same sequence. VCF-style (leftmost placement, unchanged base first): chr11-6617060-GT-G. GRCh37 (hg19) VCF-style: chr11-6638291-GT-G.
Other names: short protein forms T201fs.
Identifiers: ClinVar variation 5013025 (VCV005013025.1).